The following is an entry in ClinVar:

NM_152564.5(VPS13B):c.11491G>A (p.Val3831Ile)

Gene: VPS13B (vacuolar protein sorting 13 homolog B; plus strand). Cytogenetic location: 8q22.2.
Variant type: single nucleotide variant.
Coding change: c.11491G>A on transcript NM_152564.5 (MANE Select); coding-DNA position 11491, G replaced by A.
Protein change: p.Val3831Ile; replaces valine 3831 with isoleucine.
Molecular consequence: missense variant.
Genome position (GRCh38, 1-based): chr8:99,870,883, G>A. VCF-style: chr8-99870883-G-A. GRCh37 (hg19) VCF-style: chr8-100883111-G-A.
Other names: c.11566G>A, p.Val3856Ile (NM_017890.5); c.11491G>A (NM_152564.4); short protein forms V3831I, V3856I.
Identifiers: ClinVar variation 908751 (VCV000908751.14), dbSNP rs752506829, ClinGen allele CA4825248.
Genomic context (GRCh38, chr8:99,870,883, plus strand): 5'-CAGCGCCATCAGCCAAGTGATCTACATGCTGACCAGGCTCCAAACAGCCATGTCAAATAT[G>A]TCTGGTAAAATTATTGAGATACGTGCTCAACTTTACATCCATATTGTATGTTAATAGCTC-3'
Protein context (NP_689777.3, residues 3821-3841): DQAPNSHVKY[Val3831Ile]WKMLQSLGRP

ClinVar aggregate classification (germline): Uncertain significance. Review status: criteria provided, multiple submitters, no conflicts (2 of 4 stars). 5 submissions from 5 submitters: Uncertain significance (4). 1 of the submissions does not count toward it. Last evaluated 2026-01-07.

Conditions:
Cohen syndrome (COH1). Also called: Cutis verticis gyrata, retinitis pigmentosa, and sensorineural deafness; PEPPER SYNDROME. Identifiers: Orphanet 193, MedGen C0265223, MONDO:0008999, OMIM 216550.
VPS13B-related disorder. Also called: VPS13B-related condition.

Allele frequency attached by ClinVar (database versions not stated): gnomAD 0.00001; gnomAD exomes 0.00001; ExAC 0.00002; TOPMed below 0.00001.
gnomAD v4.1: 9 of 1,613,888 alleles (0.00056%); highest among the groups gnomAD compares: Admixed American, 0.0017%; no homozygotes.

Submissions (5):

PreventionGenetics, part of Exact Sciences
Classification: Uncertain significance for VPS13B-related condition. Last evaluated: 2026-01-07. Review status: criteria provided, single submitter. Criteria: ACMG Guidelines, 2015. Collection method: clinical testing. Allele origin: germline.
Comment: The VPS13B c.11491G>A variant is predicted to result in the amino acid substitution p.Val3831Ile. To our knowledge, this variant has not been reported in the literature. This variant is reported in 0.0033% of alleles in individuals of South Asian descent in gnomAD. At this time, the clinical significance of this variant is uncertain due to the absence of conclusive functional and genetic evidence.

Blueprint Genetics
Classification: Uncertain significance. Last evaluated: 2023-08-31. Review status: criteria provided, single submitter. Criteria: ACMG Guidelines, 2015. Collection method: clinical testing. Allele origin: germline.

Labcorp Genetics (formerly Invitae), Labcorp
Classification: Uncertain significance for Cohen syndrome. Last evaluated: 2022-03-21. Review status: criteria provided, single submitter. Criteria: Invitae Variant Classification Sherloc (09022015). Collection method: clinical testing. Allele origin: germline.
Comment: This sequence change replaces valine, which is neutral and non-polar, with isoleucine, which is neutral and non-polar, at codon 3856 of the VPS13B protein (p.Val3856Ile). This variant is present in population databases (rs752506829, gnomAD 0.003%). This variant has not been reported in the literature in individuals affected with VPS13B-related conditions. ClinVar contains an entry for this variant (Variation ID: 908751). Algorithms developed to predict the effect of missense changes on protein structure and function are either unavailable or do not agree on the potential impact of this missense change (SIFT: "Not Available"; PolyPhen-2: "Benign"; Align-GVGD: "Not Available"). In summary, the available evidence is currently insufficient to determine the role of this variant in disease. Therefore, it has been classified as a Variant of Uncertain Significance.

Illumina Laboratory Services, Illumina
Classification: Uncertain significance for Cohen syndrome. Last evaluated: 2018-01-12. Review status: criteria provided, single submitter. Criteria: ICSL Variant Classification Criteria 13 December 2019. Collection method: clinical testing. Allele origin: germline.

Natera, Inc.
Classification: Uncertain significance for Cohen syndrome. Last evaluated: 2021-10-04. Review status: no assertion criteria provided. Collection method: clinical testing. Allele origin: germline. Not counted in ClinVar's aggregate classification.